The following is an entry in ClinVar:

ClinVar aggregate classification (germline): Likely pathogenic (1 of 4 stars; one submission).

Conditions:
Primary ciliary dyskinesia. Also called: Ciliary dyskinesia. Identifiers: Orphanet 244, MedGen C0008780, MONDO:0016575, HP:0012265.

Submission:

Labcorp Genetics (formerly Invitae), Labcorp
Classification: Likely pathogenic for Primary ciliary dyskinesia. Last evaluated: 2022-05-18. Review status: criteria provided, single submitter. Criteria: Invitae Variant Classification Sherloc (09022015). Collection method: clinical testing. Allele origin: germline.
Comment: This sequence change affects a donor splice site in intron 30 of the DNAH8 gene. It is expected to disrupt RNA splicing. Variants that disrupt the donor or acceptor splice site typically lead to a loss of protein function (PMID: 16199547), and loss-of-function variants in DNAH8 are known to be pathogenic (PMID: 24307375, 32619401, 32681648). This variant has not been reported in the literature in individuals affected with DNAH8-related conditions. Algorithms developed to predict the effect of sequence changes on RNA splicing suggest that this variant may disrupt the consensus splice site. This variant is not present in population databases (gnomAD no frequency). In summary, the currently available evidence indicates that the variant is pathogenic, but additional data are needed to prove that conclusively. Therefore, this variant has been classified as Likely Pathogenic.

Literature cited by the submitters: PubMed 16199547; PubMed 24307375; PubMed 32619401; PubMed 32681648.

NM_001206927.2(DNAH8):c.4188+2T>A

Gene: DNAH8 (dynein axonemal heavy chain 8; plus strand). Cytogenetic location: 6p21.2.
Variant type: single nucleotide variant.
Coding change: c.4188+2T>A on transcript NM_001206927.2 (MANE Select); the canonical splice donor site of the intron after coding-DNA position 4188, T replaced by A.
Molecular consequence: splice donor variant.
Genome position (GRCh38, 1-based): chr6:38,828,290, T>A. VCF-style: chr6-38828290-T-A. GRCh37 (hg19) VCF-style: chr6-38796066-T-A.
Other names: c.3537+2T>A (NM_001371.4).
Identifiers: ClinVar variation 2127408 (VCV002127408.4), dbSNP rs2532682220, ClinGen allele CA363998156.